The following is an entry in ClinVar:

ClinVar aggregate classification (germline): Uncertain significance. Review status: criteria provided, multiple submitters, no conflicts (2 of 4 stars). 3 submissions from 3 submitters: Uncertain significance (3). Last evaluated 2025-10-16.

Conditions:
Fanconi anemia (FA). Also called: Fanconi's anemia. Identifiers: Orphanet 84, MedGen C0015625, MeSH D005199, MONDO:0019391.
Inborn genetic diseases. Identifiers: MedGen C0950123, MeSH D030342.

Allele frequency attached by ClinVar (database versions not stated): ExAC 0.00001.
gnomAD v4.1: 3 of 1,611,502 alleles (0.00019%); highest among the groups gnomAD compares: South Asian, 0.0022%; no homozygotes.

Submissions (3):

Ambry Genetics
Classification: Uncertain significance for Inborn genetic diseases. Last evaluated: 2025-10-16. Review status: criteria provided, single submitter. Criteria: Ambry Variant Classification Scheme 2023. Collection method: clinical testing. Allele origin: germline.
Comment: The p.L1450F variant (also known as c.4348C>T), located in coding exon 16 of the FANCM gene, results from a C to T substitution at nucleotide position 4348. The leucine at codon 1450 is replaced by phenylalanine, an amino acid with highly similar properties. This amino acid position is conserved. In addition, this alteration is predicted to be tolerated by in silico analysis. Based on the available evidence, the clinical significance of this variant remains unclear.

GeneDx
Classification: Uncertain significance. Last evaluated: 2024-03-14. Review status: criteria provided, single submitter. Criteria: GeneDx Variant Classification Process June 2021. Collection method: clinical testing. Allele origin: germline. Affected: yes.
Comment: Not observed at significant frequency in large population cohorts (gnomAD); In silico analysis supports that this missense variant does not alter protein structure/function; Has not been previously published as pathogenic or benign to our knowledge

Labcorp Genetics (formerly Invitae), Labcorp
Classification: Uncertain significance for Fanconi anemia. Last evaluated: 2022-06-13. Review status: criteria provided, single submitter. Criteria: Invitae Variant Classification Sherloc (09022015). Collection method: clinical testing. Allele origin: germline.
Comment: In summary, the available evidence is currently insufficient to determine the role of this variant in disease. Therefore, it has been classified as a Variant of Uncertain Significance. Algorithms developed to predict the effect of missense changes on protein structure and function are either unavailable or do not agree on the potential impact of this missense change (SIFT: "Deleterious"; PolyPhen-2: "Possibly Damaging"; Align-GVGD: "Class C0"). This variant has not been reported in the literature in individuals affected with FANCM-related conditions. This variant is present in population databases (rs745858902, gnomAD 0.003%). This sequence change replaces leucine, which is neutral and non-polar, with phenylalanine, which is neutral and non-polar, at codon 1450 of the FANCM protein (p.Leu1450Phe).

NM_020937.4(FANCM):c.4348C>T (p.Leu1450Phe)

Gene: FANCM (FA complementation group M; plus strand). Cytogenetic location: 14q21.2.
Variant type: single nucleotide variant.
Coding change: c.4348C>T on transcript NM_020937.4 (MANE Select); coding-DNA position 4348, C replaced by T.
Protein change: p.Leu1450Phe; replaces leucine 1450 with phenylalanine.
Molecular consequence: missense variant.
Genome position (GRCh38, 1-based): chr14:45,181,667, C>T. VCF-style: chr14-45181667-C-T. GRCh37 (hg19) VCF-style: chr14-45650870-C-T.
Other names: c.4270C>T, p.Leu1424Phe (NM_001308133.2); short protein forms L1424F, L1450F.
Identifiers: ClinVar variation 1975869 (VCV001975869.7), dbSNP rs745858902, ClinGen allele CA7169702.